The following is an entry in ClinVar:

NM_000021.4(PSEN1):c.526T>A (p.Phe176Ile)

Gene: PSEN1 (presenilin 1; plus strand). Cytogenetic location: 14q24.2.
Variant type: single nucleotide variant.
Coding change: c.526T>A on transcript NM_000021.4 (MANE Select); coding-DNA position 526, T replaced by A.
Protein change: p.Phe176Ile; replaces phenylalanine 176 with isoleucine.
Molecular consequence: missense variant.
Genome position (GRCh38, 1-based): chr14:73,186,898, T>A. VCF-style: chr14-73186898-T-A. GRCh37 (hg19) VCF-style: chr14-73653606-T-A.
Other names: c.514T>A, p.Phe172Ile (NM_007318.3); short protein forms F172I, F176I.
Identifiers: ClinVar variation 4853368 (VCV004853368.1).

ClinVar aggregate classification (germline): Uncertain significance (1 of 4 stars; one submission).

Submission:

Women's Health and Genetics/Laboratory Corporation of America, LabCorp
Classification: Uncertain significance. Last evaluated: 2026-05-28. Review status: criteria provided, single submitter. Criteria: LabCorp Variant Classification Summary - May 2015. Collection method: clinical testing. Allele origin: germline.
Comment: Variant summary: PSEN1 c.526T>A (p.Phe176Ile) results in a non-conservative amino acid change in the encoded protein sequence. Algorithms developed to predict the effect of missense changes on protein structure and function all suggest that this variant is likely to be disruptive. The variant was absent in 251410 control chromosomes. The available data on variant occurrences in the general population are insufficient to allow any conclusion about variant significance. To our knowledge, no occurrence of c.526T>A in individuals affected with PSEN1-related conditions and no experimental evidence demonstrating its impact on protein function have been reported. No submitters have cited clinical-significance assessments for this variant to ClinVar. Based on the evidence outlined above, the variant was classified as uncertain significance.